The following is an entry in ClinVar:

ClinVar aggregate classification (germline): Uncertain significance (1 of 4 stars; one submission).

Submission:

ISCA site 15
Classification: Uncertain significance. Last evaluated: 2011-08-12. Review status: criteria provided, single submitter. Criteria: Kaminsky et al. (Genet Med. 2011). Collection method: clinical testing. Allele origin: unknown. Affected: yes. Observed: 1 variant allele.
Comment: Copy number variation identified through the course of routine clinical cytogenomic testing in postnatal populations. Clinical assertions have been curated as described in Kaminsky et al. 2011.

GRCh38/hg38 7q11.21(chr7:65231558-65401160)x1

Gene: ZNF92 (zinc finger protein 92; plus strand). Cytogenetic location: 7q11.21.
Variant type: copy number loss.
Change: copy number 1 (one copy instead of two) of chr7:65,231,558-65,401,160 (169.6 kb, GRCh38 coordinates, 1-based), cytogenetic band 7q11.21.
Identifiers: ClinVar variation 57566 (VCV000057566.1).